The following is an entry in ClinVar:

ClinVar aggregate classification (germline): Conflicting classifications of pathogenicity. Review status: criteria provided, conflicting classifications (1 of 4 stars). 6 submissions from 6 submitters: Uncertain significance (3); Benign (1); Likely benign (1). 1 of the submissions does not count toward it. Last evaluated 2026-05-21.

Conditions:
COL10A1-related disorder. Also called: COL10A1-related condition.
Metaphyseal chondrodysplasia, Schmid type (MCDS). Also called: SPONDYLOMETAPHYSEAL DYSPLASIA, JAPANESE TYPE. Identifiers: Orphanet 174, MedGen C0265289, MONDO:0007983, OMIM 156500.

Submissions (6):

Women's Health and Genetics/Laboratory Corporation of America, LabCorp
Classification: Uncertain significance. Last evaluated: 2026-05-21. Review status: criteria provided, single submitter. Criteria: LabCorp Variant Classification Summary - May 2015. Collection method: clinical testing. Allele origin: germline.
Comment: Variant summary: COL10A1 c.1300_1322del23 (p.Gly434LysfsX10) results in a premature termination codon in the last exon, predicted to cause a truncation of the encoded protein, however, nonsense mediated decay is not expected to occur. Current evidence is not sufficient to establish loss of function as a mechanism for disease. The variant allele was found at a frequency of 0.00056 in 249810 control chromosomes. This frequency is not significantly higher than estimated for disease-causing variants in COL10A1, allowing no conclusion about variant significance (gnomAD v2). A total of two homozygotes of this variant was observed in the gnomAD v4 database. To our knowledge, no occurrence of c.1300_1322del23 in individuals affected with COL10A1-related conditions and no experimental evidence demonstrating its impact on protein function have been reported. ClinVar contains an entry for this variant (Variation ID: 1204875). Based on the evidence outlined above, the variant was classified as uncertain significance.

Labcorp Genetics (formerly Invitae), Labcorp
Classification: Benign. Last evaluated: 2025-11-28. Review status: criteria provided, single submitter. Criteria: Invitae Variant Classification Sherloc (09022015). Collection method: clinical testing. Allele origin: germline.

GeneDx
Classification: Uncertain significance. Last evaluated: 2025-07-09. Review status: criteria provided, single submitter. Criteria: GeneDx Variant Classification Process June 2021. Collection method: clinical testing. Allele origin: germline. Affected: yes.
Comment: Frameshift variant predicted to result in abnormal protein length as the last 247 amino acid(s) are replaced with 9 different amino acid(s); Has not been previously published as pathogenic or benign to our knowledge

Blueprint Genetics
Classification: Likely benign. Last evaluated: 2024-11-22. Review status: criteria provided, single submitter. Criteria: ACMG Guidelines, 2015. Collection method: clinical testing. Allele origin: germline.

Department of Pathology and Laboratory Medicine, Sinai Health System
Classification: Uncertain significance for Schmid metaphyseal chondrodysplasia. Last evaluated: 2022-09-15. Review status: criteria provided, single submitter. Criteria: ACMG Guidelines, 2015. Collection method: research. Allele origin: germline.

PreventionGenetics, part of Exact Sciences
Classification: Likely benign for COL10A1-related condition. Last evaluated: 2020-11-30. Review status: no assertion criteria provided. Collection method: clinical testing. Allele origin: germline. Not counted in ClinVar's aggregate classification.
Comment: This variant is classified as likely benign based on ACMG/AMP sequence variant interpretation guidelines (Richards et al. 2015 PMID: 25741868, with internal and published modifications).

NM_000493.4(COL10A1):c.1300_1322del (p.Gly434fs)

Genes: COL10A1 (collagen type X alpha 1 chain; minus strand), NT5DC1 (5'-nucleotidase domain containing 1; plus strand). Cytogenetic location: 6q22.1.
Variant type: Deletion.
Coding change: c.1300_1322del on transcript NM_000493.4 (MANE Select); coding-DNA positions 1300 to 1322, 23 bases deleted (GGACACAATGGAGAGGCTGGCCC).
Protein change: p.Gly434fs; shifts the reading frame from glycine 434.
Molecular consequence: frameshift variant. On other transcripts: intron variant (1).
Genome position (GRCh38, 1-based): chr6:116,120,794-116,120,816, GGGCCAGCCTCTCCATTGTGTCC deleted on the plus strand (GGACACAATGGAGAGGCTGGCCC on the coding strand, the reverse complement: COL10A1 is on the minus strand); deleting any 23 consecutive bases within chr6:116,120,794-116,120,820 gives the same sequence; the c. name uses the placement nearest the transcript's 3' end. VCF-style (leftmost placement, unchanged base first): chr6-116120793-TGGGCCAGCCTCTCCATTGTGTCC-T. GRCh37 (hg19) VCF-style: chr6-116441956-TGGGCCAGCCTCTCCATTGTGTCC-T.
Other names: c.1300_1322delGGACACAATGGAGAGGCTGGCCC (NM_000493.3); c.1300_1322del, p.Gly434fs (NM_001424106.1, NM_001424107.1); c.529+2853_529+2875del (NM_152729.3); c.1300_1322del23 (NM_000493.4); short protein forms G434fs.
Identifiers: ClinVar variation 1204875 (VCV001204875.20), dbSNP rs753599581, ClinGen allele CA3968202.